The following is an entry in ClinVar:

NM_017780.4(CHD7):c.6053T>C (p.Phe2018Ser)

Gene: CHD7 (chromodomain helicase DNA binding protein 7; plus strand). Cytogenetic location: 8q12.2.
Variant type: single nucleotide variant.
Coding change: c.6053T>C on transcript NM_017780.4 (MANE Select); coding-DNA position 6053, T replaced by C.
Protein change: p.Phe2018Ser; replaces phenylalanine 2018 with serine.
Molecular consequence: missense variant. On other transcripts: intron variant (1).
Genome position (GRCh38, 1-based): chr8:60,852,656, T>C. VCF-style: chr8-60852656-T-C. GRCh37 (hg19) VCF-style: chr8-61765215-T-C.
Other names: c.1717-9573T>C (NM_001316690.1); short protein forms F2018S.
Identifiers: ClinVar variation 4808762 (VCV004808762.1).
Genomic context (GRCh38, chr8:60,852,656, plus strand): 5'-GAGCCTTTGCCAGGCTTGACAAAAAATCTGATGAGAGTTTGGAGAAATACTTCAGTTGTT[T>C]TGTGGCCATGTGTAGGCGAGTATGTCGAATGCCCGTCAAGCCAGATGATGGTAGGTACAT-3'
Protein context (NP_060250.2, residues 2008-2028): DESLEKYFSC[Phe2018Ser]VAMCRRVCRM

ClinVar aggregate classification (germline): Uncertain significance (1 of 4 stars; one submission).

Conditions:
CHARGE syndrome (CHARGE). Also called: Hittner Hirsch Kreh syndrome; CHARGE ASSOCIATION--COLOBOMA, HEART ANOMALY, CHOANAL ATRESIA, RETARDATION, GENITAL AND EAR ANOMALIES; Coloboma, heart anomaly, choanal atresia, retardation, genital and ear anomalies; CHARGE association; Hall-Hittner syndrome. Identifiers: Orphanet 138, MedGen C0265354, MONDO:0008965.

Submission:

Labcorp Genetics (formerly Invitae), Labcorp
Classification: Uncertain significance for CHARGE syndrome. Last evaluated: 2025-08-22. Review status: criteria provided, single submitter. Criteria: Invitae Variant Classification Sherloc (09022015). Collection method: clinical testing. Allele origin: germline.
Comment: This sequence change replaces phenylalanine, which is neutral and non-polar, with serine, which is neutral and polar, at codon 2018 of the CHD7 protein (p.Phe2018Ser). This variant is not present in population databases (gnomAD no frequency). This variant has not been reported in the literature in individuals affected with CHD7-related conditions. Invitae Evidence Modeling of protein sequence and biophysical properties (such as structural, functional, and spatial information, amino acid conservation, physicochemical variation, residue mobility, and thermodynamic stability) indicates that this missense variant is expected to disrupt CHD7 protein function with a positive predictive value of 95%. In summary, the available evidence is currently insufficient to determine the role of this variant in disease. Therefore, it has been classified as a Variant of Uncertain Significance.